The following is an entry in ClinVar:

NM_001042413.2(GLIS3):c.*3012G>C

Gene: GLIS3 (GLIS family zinc finger 3; minus strand). Cytogenetic location: 9p24.2.
Variant type: single nucleotide variant.
Coding change: c.*3012G>C on transcript NM_001042413.2 (MANE Select); 3012 bases downstream of the stop codon, G replaced by C.
Molecular consequence: 3 prime UTR variant.
Genome position (GRCh38, 1-based): chr9:3,825,260, C>G on the plus strand (G>C on the coding strand, the complement: GLIS3 is on the minus strand). VCF-style: chr9-3825260-C-G. GRCh37 (hg19) VCF-style: chr9-3825260-C-G.
Other names: c.*3012G>C (NM_152629.4).
Identifiers: ClinVar variation 366900 (VCV000366900.6), dbSNP rs35359206, ClinGen allele CA10630123.
Genomic context (GRCh38, chr9:3,825,260, plus strand): 5'-ATCAGTGGTAACTCTGCTGTGATCTACTAAAGACCTTTTTTTTTCTTCTTATTTTATGAT[C>G]GCTTATGTAATTTGAGGGCGACATGGGTAATGGGAGATACCCCACAGGACCTGTAAATAT-3'

ClinVar aggregate classification (germline): Benign. Review status: criteria provided, multiple submitters, no conflicts (2 of 4 stars). 2 submissions from 2 submitters: Benign (2). Last evaluated 2018-01-13.

Conditions:
Neonatal diabetes mellitus with congenital hypothyroidism. Also called: NDH SYNDROME. Identifiers: Orphanet 79118, MedGen C1857775, MONDO:0012436, OMIM 610199.

Allele frequency attached by ClinVar (database versions not stated): 1000 Genomes Project 30x 0.03592; 1000 Genomes Project 0.03694; TOPMed 0.05130; gnomAD 0.08281; gnomAD exomes 0.25000.
gnomAD v4.1: 10,314 of 151,926 alleles (6.8%); highest among the groups gnomAD compares: Non-Finnish European, 9.1%; 622 homozygotes.

Submissions (2):

Illumina Laboratory Services, Illumina
Classification: Benign for Neonatal diabetes mellitus with congenital hypothyroidism. Last evaluated: 2018-01-13. Review status: criteria provided, single submitter. Criteria: ICSL Variant Classification Criteria 13 December 2019. Collection method: clinical testing. Allele origin: germline.
Comment: This variant was observed in the ICSL laboratory as part of a predisposition screen in an ostensibly healthy population. It had not been previously curated by ICSL or reported in the Human Gene Mutation Database (HGMD: prior to June 1st, 2018), and was therefore a candidate for classification through an automated scoring system. Utilizing variant allele frequency, disease prevalence and penetrance estimates, and inheritance mode, an automated score was calculated to assess if this variant is too frequent to cause the disease. Based on the score and internal cut-off values, a variant classified as benign is not then subjected to further curation. The score for this variant resulted in a classification of benign for this disease.

Breakthrough Genomics
Classification: Benign. Review status: criteria provided, single submitter. Criteria: ACMG Guidelines, 2015. Collection method: not provided. Allele origin: germline. Inheritance: Autosomal recessive inheritance. Affected: yes.